The following is an entry in ClinVar:

ClinVar aggregate classification (germline): Uncertain significance. Review status: criteria provided, multiple submitters, no conflicts (2 of 4 stars). 2 submissions from 2 submitters: Uncertain significance (2). Last evaluated 2023-07-27.

Conditions:
Hereditary cancer-predisposing syndrome. Also called: Tumor predisposition; Hereditary Cancer Syndrome; Hereditary neoplastic syndrome; Neoplastic Syndromes, Hereditary. Identifiers: Orphanet 140162, MedGen C0027672, MeSH D009386, MONDO:0015356.

Submissions (2):

Ambry Genetics
Classification: Uncertain significance for Hereditary cancer-predisposing syndrome. Last evaluated: 2023-07-27. Review status: criteria provided, single submitter. Criteria: Ambry Variant Classification Scheme 2023. Collection method: clinical testing. Allele origin: germline.
Comment: The p.E2205A variant (also known as c.6614A>C), located in coding exon 47 of the POLE gene, results from an A to C substitution at nucleotide position 6614. The glutamic acid at codon 2205 is replaced by alanine, an amino acid with dissimilar properties. This amino acid position is conserved. In addition, the in silico prediction for this alteration is inconclusive. Since supporting evidence is limited at this time, the clinical significance of this alteration remains unclear.

Labcorp Genetics (formerly Invitae), Labcorp
Classification: Uncertain significance. Last evaluated: 2022-11-09. Review status: criteria provided, single submitter. Criteria: Invitae Variant Classification Sherloc (09022015). Collection method: clinical testing. Allele origin: germline.
Comment: This variant is not present in population databases (gnomAD no frequency). This sequence change replaces glutamic acid, which is acidic and polar, with alanine, which is neutral and non-polar, at codon 2205 of the POLE protein (p.Glu2205Ala). This variant has not been reported in the literature in individuals affected with POLE-related conditions. In summary, the available evidence is currently insufficient to determine the role of this variant in disease. Therefore, it has been classified as a Variant of Uncertain Significance. Advanced modeling of protein sequence and biophysical properties (such as structural, functional, and spatial information, amino acid conservation, physicochemical variation, residue mobility, and thermodynamic stability) performed at Invitae indicates that this missense variant is not expected to disrupt POLE protein function.

NM_006231.4(POLE):c.6614A>C (p.Glu2205Ala)

Gene: POLE (DNA polymerase epsilon, catalytic subunit; minus strand). Cytogenetic location: 12q24.33.
Variant type: single nucleotide variant.
Coding change: c.6614A>C on transcript NM_006231.4 (MANE Select); coding-DNA position 6614, A replaced by C.
Protein change: p.Glu2205Ala; replaces glutamic acid 2205 with alanine.
Molecular consequence: missense variant.
Genome position (GRCh38, 1-based): chr12:132,625,688, T>G on the plus strand (A>C on the coding strand, the complement: POLE is on the minus strand). VCF-style: chr12-132625688-T-G. GRCh37 (hg19) VCF-style: chr12-133202274-T-G.
Other names: short protein forms E2205A.
Identifiers: ClinVar variation 2625238 (VCV002625238.5), dbSNP rs2541837178, ClinGen allele CA387366568.